The following is an entry in ClinVar:

NM_018706.7(DHTKD1):c.2518C>T (p.Pro840Ser)

Gene: DHTKD1 (dehydrogenase E1 and transketolase domain containing 1; plus strand). Cytogenetic location: 10p14.
Variant type: single nucleotide variant.
Coding change: c.2518C>T on transcript NM_018706.7 (MANE Select); coding-DNA position 2518, C replaced by T.
Protein change: p.Pro840Ser; replaces proline 840 with serine.
Molecular consequence: missense variant.
Genome position (GRCh38, 1-based): chr10:12,118,864, C>T. VCF-style: chr10-12118864-C-T. GRCh37 (hg19) VCF-style: chr10-12160863-C-T.
Other names: short protein forms P840S.
Identifiers: ClinVar variation 2844442 (VCV002844442.3), dbSNP rs200098540, ClinGen allele CA5408285.

ClinVar aggregate classification (germline): Uncertain significance (1 of 4 stars; one submission).

Conditions:
2-aminoadipic 2-oxoadipic aciduria (AAKAD). Also called: Aminoadipic aciduria; ALPHA-AMINOADIPIC AND ALPHA-KETOADIPIC ACIDURIA. Identifiers: Orphanet 79154, MedGen C1859817, MONDO:0008774, OMIM 204750.

Allele frequency attached by ClinVar (database versions not stated): ExAC 0.00001; gnomAD 0.00001; 1000 Genomes Project 0.00020; 1000 Genomes Project 30x 0.00031.
gnomAD v4.1: 2 of 1,607,336 alleles (0.00012%); highest among the groups gnomAD compares: African/African-American, 0.0013%; no homozygotes.

Submission:

Labcorp Genetics (formerly Invitae), Labcorp
Classification: Uncertain significance for 2-aminoadipic 2-oxoadipic aciduria. Last evaluated: 2023-03-09. Review status: criteria provided, single submitter. Criteria: Invitae Variant Classification Sherloc (09022015). Collection method: clinical testing. Allele origin: germline.
Comment: In summary, the available evidence is currently insufficient to determine the role of this variant in disease. Therefore, it has been classified as a Variant of Uncertain Significance. Advanced modeling of protein sequence and biophysical properties (such as structural, functional, and spatial information, amino acid conservation, physicochemical variation, residue mobility, and thermodynamic stability) performed at Invitae indicates that this missense variant is expected to disrupt DHTKD1 protein function. This variant has not been reported in the literature in individuals affected with DHTKD1-related conditions. The frequency data for this variant in the population databases is considered unreliable, as metrics indicate poor data quality at this position in the gnomAD database. This sequence change replaces proline, which is neutral and non-polar, with serine, which is neutral and polar, at codon 840 of the DHTKD1 protein (p.Pro840Ser).